The following is an entry in ClinVar:

ClinVar aggregate classification (germline): Likely benign. Review status: criteria provided, multiple submitters, no conflicts (2 of 4 stars). 2 submissions from 2 submitters: Likely benign (2). Last evaluated 2022-05-01.

Conditions:
Acrocallosal syndrome (ACLS). Also called: Schinzel syndrome 1; Absence of corpus callosum with unusual facial appearance, mental deficiency, duplication of the halluces and polydactyly; HALLUX DUPLICATION, POSTAXIAL POLYDACTYLY, AND ABSENCE OF CORPUS CALLOSUM. Identifiers: Orphanet 36, MedGen C0796147, MONDO:0008708, OMIM 200990.

gnomAD v4.1: 3 of 1,612,938 alleles (0.00019%); highest among the groups gnomAD compares: Admixed American, 0.0017%; no homozygotes.

Submissions (2):

CeGaT Center for Human Genetics Tuebingen
Classification: Likely benign. Last evaluated: 2022-05-01. Review status: criteria provided, single submitter. Criteria: CeGaT Center For Human Genetics Tuebingen Variant Classification Criteria Version 2. Collection method: clinical testing. Allele origin: germline. Affected: yes. Observed: 1 variant allele.
Comment: KIF7: BP4, BP7

Labcorp Genetics (formerly Invitae), Labcorp
Classification: Likely benign for Acrocallosal syndrome. Last evaluated: 2021-01-08. Review status: criteria provided, single submitter. Criteria: Invitae Variant Classification Sherloc (09022015). Collection method: clinical testing. Allele origin: germline.

NM_198525.3(KIF7):c.3759C>A (p.Pro1253=)

Gene: KIF7 (kinesin family member 7; minus strand). Cytogenetic location: 15q26.1.
Variant type: single nucleotide variant.
Coding change: c.3759C>A on transcript NM_198525.3 (MANE Select); coding-DNA position 3759, C replaced by A.
Protein change: p.Pro1253=; no amino-acid change (proline 1253 retained).
Molecular consequence: synonymous variant.
Genome position (GRCh38, 1-based): chr15:89,628,692, G>T on the plus strand (C>A on the coding strand, the complement: KIF7 is on the minus strand). VCF-style: chr15-89628692-G-T. GRCh37 (hg19) VCF-style: chr15-90171923-G-T.
Identifiers: ClinVar variation 1578120 (VCV001578120.31), dbSNP rs147767277, ClinGen allele CA274563002.